The following is an entry in ClinVar:

ClinVar aggregate classification (germline): Likely pathogenic (1 of 4 stars; one submission).

Conditions:
Greig cephalopolysyndactyly syndrome (GCPS). Also called: POLYSYNDACTYLY WITH PECULIAR SKULL SHAPE; Greig syndrome; GLI3-Related Greig Cephalopolysyndactyly Syndrome. Identifiers: Orphanet 380, MedGen C0265306, MONDO:0008287, OMIM 175700.

Submission:

OLLIN Analises Genomicas, OLLIN
Classification: Likely pathogenic for Greig cephalopolysyndactyly syndrome. Last evaluated: 2025-05-29. Review status: criteria provided, single submitter. Criteria: ACMG Guidelines 2015 PMID 25741868. Collection method: clinical testing. Allele origin: germline. Affected: yes. Observed: 1 variant allele.
Comment: The frameshift variant (chr7:42076830TG>T), located in exon 4 (of 15), is not reported in the gnomAD v4.1 non-UKB or ClinVar databases, nor has it been found in the scientific literature. This variant promotes a change in the reading frame with subsequent introduction of a premature stop codon, resulting in a truncated protein or mRNA degradation via nonsense-mediated decay (NMD). According to currently available evidence, this variant has been classified as likely pathogenic (PVS1, PM2_P).

NM_000168.6(GLI3):c.394del (p.His132fs)

Gene: GLI3 (GLI family zinc finger 3; minus strand). Cytogenetic location: 7p14.1.
Variant type: Deletion.
Coding change: c.394del on transcript NM_000168.6 (MANE Select); coding-DNA position 394, one base deleted (C; older notation c.394delC).
Protein change: p.His132fs; shifts the reading frame from histidine 132.
Molecular consequence: frameshift variant.
Genome position (GRCh38, 1-based): chr7:42,076,831, G deleted on the plus strand (C on the coding strand, the reverse complement: GLI3 is on the minus strand); the first of 2 consecutive G bases (chr7:42,076,831-42,076,832); deleting either gives the same sequence. VCF-style (leftmost placement, unchanged base first): chr7-42076830-TG-T. GRCh37 (hg19) VCF-style: chr7-42116429-TG-T.
Other names: short protein forms H132fs.
Identifiers: ClinVar variation 4814134 (VCV004814134.1).
Genomic context (GRCh38, chr7:42,076,830, plus strand): 5'-GGAGATGGATCGTAATGGTAACGGCCCTCATGATGTCTGGCATCAATTGGTACAGGAGGA[TG>T]GAAGGCAGGGAAAAGATGAGGAGGGTCTGAAAAGAAGAGAGAGCCCAATCTATATCAAAT-3'